The following is an entry in ClinVar:

ClinVar aggregate classification (germline): Uncertain significance (1 of 4 stars; one submission).

gnomAD v4.1: 1 of 1,614,162 alleles (0.000062%); highest among the groups gnomAD compares: Non-Finnish European, 0.000085%; no homozygotes.

Submission:

Labcorp Genetics (formerly Invitae), Labcorp
Classification: Uncertain significance. Last evaluated: 2025-12-15. Review status: criteria provided, single submitter. Criteria: Invitae Variant Classification Sherloc (09022015). Collection method: clinical testing. Allele origin: germline.
Comment: This sequence change replaces methionine, which is neutral and non-polar, with threonine, which is neutral and polar, at codon 661 of the RFX6 protein (p.Met661Thr). This variant is not present in population databases (gnomAD no frequency). This variant has not been reported in the literature in individuals affected with RFX6-related conditions. Invitae Evidence Modeling of protein sequence and biophysical properties (such as structural, functional, and spatial information, amino acid conservation, physicochemical variation, residue mobility, and thermodynamic stability) indicates that this missense variant is not expected to disrupt RFX6 protein function with a negative predictive value of 80%. In summary, the available evidence is currently insufficient to determine the role of this variant in disease. Therefore, it has been classified as a Variant of Uncertain Significance.

NM_173560.4(RFX6):c.1982T>C (p.Met661Thr)

Gene: RFX6 (regulatory factor X6; plus strand). Cytogenetic location: 6q22.1.
Variant type: single nucleotide variant.
Coding change: c.1982T>C on transcript NM_173560.4 (MANE Select); coding-DNA position 1982, T replaced by C.
Protein change: p.Met661Thr; replaces methionine 661 with threonine.
Molecular consequence: missense variant.
Genome position (GRCh38, 1-based): chr6:116,927,123, T>C. VCF-style: chr6-116927123-T-C. GRCh37 (hg19) VCF-style: chr6-117248286-T-C.
Other names: short protein forms M661T.
Identifiers: ClinVar variation 4765764 (VCV004765764.1).
Genomic context (GRCh38, chr6:116,927,123, plus strand): 5'-TGACACCACCCATTTCTCCAGCCATGGCAAGCCGAGGAAGTGTCATTAACCAAGGACCAA[T>C]GGCAGGGAGGCCCCCAAGTGTGGGCCCAGTACTGTCAGCTCCATCACACTGCTCCACATA-3'
Protein context (NP_775831.2, residues 651-671): SRGSVINQGP[Met661Thr]AGRPPSVGPV